The following is an entry in ClinVar:

NM_007294.4(BRCA1):c.5193+22C>A

Gene: BRCA1 (BRCA1 DNA repair associated; minus strand). Cytogenetic location: 17q21.31.
Variant type: single nucleotide variant.
Coding change: c.5193+22C>A on transcript NM_007294.4 (MANE Select); 22 bases into the intron after coding-DNA position 5193, C replaced by A.
Molecular consequence: intron variant.
Genome position (GRCh38, 1-based): chr17:43,063,311, G>T on the plus strand (C>A on the coding strand, the complement: BRCA1 is on the minus strand). VCF-style: chr17-43063311-G-T. GRCh37 (hg19) VCF-style: chr17-41215328-G-T.
Other names: c.1740+22C>A (NM_001408458.1, NM_001408461.1, NM_001408464.1 and 7 more transcripts); c.4302+22C>A (NM_001407967.1); c.4812+22C>A (NM_001407959.1); c.4926+22C>A (NM_001407931.1, NM_001407932.1, NM_001407928.1 and 4 more transcripts); c.5049+22C>A (NM_001407747.1, NM_001407745.1, NM_001407737.1 and 21 more transcripts); c.4809+22C>A (NM_001407962.1, NM_001407960.1); c.1380+22C>A (NM_001408512.1); c.1503+22C>A (NM_001408510.1); and 72 more.
Identifiers: ClinVar variation 867813 (VCV000867813.3), dbSNP rs8176260, ClinGen allele CA916079991.

Conditions:
Breast-ovarian cancer, familial, susceptibility to, 1 (BROVCA1). Also called: BRCA1 Hereditary Breast and Ovarian Cancer; OVARIAN CANCER, SUSCEPTIBILITY TO. Identifiers: Orphanet 145, MedGen C2676676, MONDO:0011450, OMIM 604370. Disease mechanism: loss of function.

Submission:

Brotman Baty Institute, University of Washington
No classification provided (evidence only). Condition: Breast-ovarian cancer, familial 1. Review status: no classification provided. Collection method: in vitro. Allele origin: not applicable. Functional consequence: functionally_normal.
ClinVar note: "not provided" was previously submitted as the classification for the variant. However, the classification appeared to be based only on an observation of functional data so it was converted to no classification on 2025-07-30.